The following is an entry in ClinVar:

NM_006361.6(HOXB13):c.84C>A (p.Val28=)

Gene: HOXB13 (homeobox B13; minus strand). Cytogenetic location: 17q21.32.
Variant type: single nucleotide variant.
Coding change: c.84C>A on transcript NM_006361.6 (MANE Select); coding-DNA position 84, C replaced by A.
Protein change: p.Val28=; no amino-acid change (valine 28 retained).
Molecular consequence: synonymous variant.
Genome position (GRCh38, 1-based): chr17:48,728,510, G>T on the plus strand (C>A on the coding strand, the complement: HOXB13 is on the minus strand). VCF-style: chr17-48728510-G-T. GRCh37 (hg19) VCF-style: chr17-46805872-G-T.
Identifiers: ClinVar variation 1124030 (VCV001124030.12), dbSNP rs2038241798, ClinGen allele CA500503003.

ClinVar aggregate classification (germline): Benign/Likely benign. Review status: criteria provided, multiple submitters, no conflicts (2 of 4 stars). 4 submissions from 4 submitters: Benign (1); Likely benign (3). Last evaluated 2025-10-19.

Conditions:
Prostate cancer, hereditary, 9 (HPC9). Identifiers: Orphanet 1331, MedGen C1970250, MONDO:0012597, OMIM 610997.
Hereditary cancer-predisposing syndrome. Also called: Hereditary neoplastic syndrome; Neoplastic Syndromes, Hereditary; Tumor predisposition; Hereditary Cancer Syndrome. Identifiers: Orphanet 140162, MedGen C0027672, MeSH D009386, MONDO:0015356.

gnomAD v4.1: 1 of 1,613,366 alleles (0.000062%); highest among the groups gnomAD compares: Non-Finnish European, 0.000085%; no homozygotes.

Submissions (4):

Labcorp Genetics (formerly Invitae), Labcorp
Classification: Likely benign. Last evaluated: 2025-10-19. Review status: criteria provided, single submitter. Criteria: Invitae Variant Classification Sherloc (09022015). Collection method: clinical testing. Allele origin: germline.

Myriad Genetics, Inc.
Classification: Benign for Prostate cancer, hereditary, 9. Last evaluated: 2024-10-28. Review status: criteria provided, single submitter. Criteria: Myriad Autosomal Dominant, Autosomal Recessive and X-Linked Classification Criteria (2023). Collection method: clinical testing. Allele origin: unknown.
Comment: This variant is considered benign. This variant is a silent/synonymous amino acid change and it is not expected to impact splicing.

Ambry Genetics
Classification: Likely benign for Hereditary cancer-predisposing syndrome. Last evaluated: 2017-11-24. Review status: criteria provided, single submitter. Criteria: Ambry Variant Classification Scheme 2023. Collection method: clinical testing. Allele origin: germline.

Breakthrough Genomics
Classification: Likely benign. Review status: criteria provided, single submitter. Criteria: ACMG Guidelines, 2015. Collection method: not provided. Allele origin: germline. Inheritance: Unknown mechanism. Affected: yes.